The following is an entry in ClinVar:

ClinVar aggregate classification (germline): Uncertain significance (1 of 4 stars; one submission).

Submission:

Ambry Genetics
Classification: Uncertain significance. Last evaluated: 2025-12-24. Review status: criteria provided, single submitter. Criteria: Ambry Variant Classification Scheme 2023. Collection method: clinical testing. Allele origin: germline.
Comment: The p.S1909W variant (also known as c.5726C>G), located in coding exon 23 of the WNK2 gene, results from a C to G substitution at nucleotide position 5726. The serine at codon 1909 is replaced by tryptophan, an amino acid with highly dissimilar properties. This amino acid position is conserved. In addition, the in silico prediction for this alteration is inconclusive. Based on the available evidence, the clinical significance of this variant remains unclear.

NM_006648.4(WNK2):c.5726C>G (p.Ser1909Trp)

Gene: WNK2 (WNK lysine deficient protein kinase 2; plus strand). Cytogenetic location: 9q22.31.
Variant type: single nucleotide variant.
Coding change: c.5726C>G on transcript NM_006648.4 (MANE Select); coding-DNA position 5726, C replaced by G.
Protein change: p.Ser1909Trp; replaces serine 1909 with tryptophan.
Molecular consequence: missense variant.
Genome position (GRCh38, 1-based): chr9:93,297,870, C>G. VCF-style: chr9-93297870-C-G. GRCh37 (hg19) VCF-style: chr9-96060152-C-G.
Other names: c.5837C>G, p.Ser1946Trp (NM_001282394.3); short protein forms S1909W, S1946W.
Identifiers: ClinVar variation 4842107 (VCV004842107.1).